The following is an entry in ClinVar:

NM_015355.4(SUZ12):c.261C>T (p.Leu87=)

Gene: SUZ12 (SUZ12 polycomb repressive complex 2 subunit; plus strand). Cytogenetic location: 17q11.2.
Variant type: single nucleotide variant.
Coding change: c.261C>T on transcript NM_015355.4 (MANE Select); coding-DNA position 261, C replaced by T.
Protein change: p.Leu87=; no amino-acid change (leucine 87 retained).
Molecular consequence: synonymous variant.
Genome position (GRCh38, 1-based): chr17:31,937,507, C>T. VCF-style: chr17-31937507-C-T. GRCh37 (hg19) VCF-style: chr17-30264526-C-T.
Other names: c.261C>T, p.Leu87= (NM_001321207.2).
Identifiers: ClinVar variation 2647645 (VCV002647645.24), dbSNP rs1216434263, ClinGen allele CA499253678.

ClinVar aggregate classification (germline): Likely benign (1 of 4 stars; one submission).

Allele frequency attached by ClinVar (database versions not stated): TOPMed below 0.00001; gnomAD 0.00001; gnomAD exomes 0.00001.
gnomAD v4.1: 14 of 1,540,526 alleles (0.00091%); highest among the groups gnomAD compares: East Asian, 0.032%; no homozygotes.

Submission:

CeGaT Center for Human Genetics Tuebingen
Classification: Likely benign. Last evaluated: 2023-02-01. Review status: criteria provided, single submitter. Criteria: CeGaT Center For Human Genetics Tuebingen Variant Classification Criteria Version 2. Collection method: clinical testing. Allele origin: germline. Affected: yes. Observed: 1 variant allele.
Comment: SUZ12: BP4, BP7